The following is an entry in ClinVar:

ClinVar aggregate classification (germline): Uncertain significance. Review status: criteria provided, multiple submitters, no conflicts (2 of 4 stars). 3 submissions from 3 submitters: Uncertain significance (3). Last evaluated 2026-05-24.

Conditions:
COL12A1-related disorder. Also called: COL12A1-related condition.
Ullrich congenital muscular dystrophy 2 (UCMD2). Identifiers: Orphanet 75840, MedGen C4225314, MONDO:0014654, OMIM 616470.
Bethlem myopathy 2 (BTHLM2). Identifiers: Orphanet 536516, Orphanet 610, MedGen C4225313, MONDO:0034022, OMIM 616471.

Submissions (3):

PreventionGenetics, part of Exact Sciences
Classification: Uncertain significance for COL12A1-related condition. Last evaluated: 2026-05-24. Review status: criteria provided, single submitter. Criteria: ACMG Guidelines, 2015. Collection method: clinical testing. Allele origin: germline.
Comment: The COL12A1 c.3329C>A variant is predicted to result in the amino acid substitution p.Ala1110Asp. To our knowledge, this variant has not been reported in the literature or in a large population database (gnomAD), indicating this variant is rare. At this time, the clinical significance of this variant is uncertain due to the absence of conclusive functional and genetic evidence.

GeneDx
Classification: Uncertain significance. Last evaluated: 2025-05-30. Review status: criteria provided, single submitter. Criteria: GeneDx Variant Classification Process June 2021. Collection method: clinical testing. Allele origin: germline. Affected: yes.
Comment: Not observed at significant frequency in large population cohorts (gnomAD); In silico analysis suggests that this missense variant does not alter protein structure/function; This variant is associated with the following publications: (PMID: 39923201)

Labcorp Genetics (formerly Invitae), Labcorp
Classification: Uncertain significance for Bethlem myopathy 2; Ullrich congenital muscular dystrophy 2. Last evaluated: 2019-10-17. Review status: criteria provided, single submitter. Criteria: Invitae Variant Classification Sherloc (09022015). Collection method: clinical testing. Allele origin: germline.
Comment: In summary, the available evidence is currently insufficient to determine the role of this variant in disease. Therefore, it has been classified as a Variant of Uncertain Significance. Algorithms developed to predict the effect of missense changes on protein structure and function are either unavailable or do not agree on the potential impact of this missense change (SIFT: "Deleterious"; PolyPhen-2: "Probably Damaging"; Align-GVGD: "Class C0"). This variant has not been reported in the literature in individuals with COL12A1-related conditions. This variant is not present in population databases (ExAC no frequency). This sequence change replaces alanine with aspartic acid at codon 1110 of the COL12A1 protein (p.Ala1110Asp). The alanine residue is highly conserved and there is a moderate physicochemical difference between alanine and aspartic acid.

NM_004370.6(COL12A1):c.3329C>A (p.Ala1110Asp)

Gene: COL12A1 (collagen type XII alpha 1 chain; minus strand). Cytogenetic location: 6q13.
Variant type: single nucleotide variant.
Coding change: c.3329C>A on transcript NM_004370.6 (MANE Select); coding-DNA position 3329, C replaced by A.
Protein change: p.Ala1110Asp; replaces alanine 1110 with aspartic acid.
Molecular consequence: missense variant. On other transcripts: intron variant (1).
Genome position (GRCh38, 1-based): chr6:75,155,776, G>T on the plus strand (C>A on the coding strand, the complement: COL12A1 is on the minus strand). VCF-style: chr6-75155776-G-T. GRCh37 (hg19) VCF-style: chr6-75865492-G-T.
Other names: c.74-3294C>A (NM_080645.3); short protein forms A1110D.
Identifiers: ClinVar variation 861367 (VCV000861367.10), dbSNP rs1767721141, ClinGen allele CA364752690.
Genomic context (GRCh38, chr6:75,155,776, plus strand): 5'-AGTCTTCTGTCATCCCCCGTAGGGTGGAATGTGACTTTATAACCCTTCACTTCCCCAGGG[G>T]CAGGCTCCCAAGTCACTCGGAAGCTTGACATGGTTGGGTCAGATGTTTTGAGGTTTCTAG-3'
Protein context (NP_004361.3, residues 1100-1120): MSSFRVTWEP[Ala1110Asp]PGEVKGYKVT